The following is an entry in ClinVar:

NM_017882.3(CLN6):c.49G>A (p.Gly17Ser)

Gene: CLN6 (CLN6 transmembrane ER protein; minus strand). Cytogenetic location: 15q23.
Variant type: single nucleotide variant.
Coding change: c.49G>A on transcript NM_017882.3 (MANE Select); coding-DNA position 49, G replaced by A.
Protein change: p.Gly17Ser; replaces glycine 17 with serine.
Molecular consequence: missense variant.
Genome position (GRCh38, 1-based): chr15:68,229,536, C>T on the plus strand (G>A on the coding strand, the complement: CLN6 is on the minus strand). VCF-style: chr15-68229536-C-T. GRCh37 (hg19) VCF-style: chr15-68521874-C-T.
Other names: p.G17S:GGC>AGC; short protein forms G17S.
Identifiers: ClinVar variation 205180 (VCV000205180.25), dbSNP rs763944821, ClinGen allele CA313987.
Genomic context (GRCh38, chr15:68,229,536, plus strand): 5'-GCCCTCTCACCCCGGCGCGCGCCCACCTGGCCTGCAGGAAGGAGGCGCCCAGCTGCGCGC[C>T]TGGGCCGCCCGTCGCTCCCAGGTGCTGCCGCCTCCGCGTCGCCTCCATGGCTGCCCCGCA-3'
Protein context (NP_060352.1, residues 7-27): RQHLGATGGP[Gly17Ser]AQLGASFLQA

ClinVar aggregate classification (germline): Conflicting classifications of pathogenicity. Review status: criteria provided, conflicting classifications (1 of 4 stars). 8 submissions from 8 submitters: Uncertain significance (3); Benign (1); Likely benign (2). 2 of the submissions do not count toward it. Last evaluated 2026-01-28.

Conditions:
Inborn genetic diseases. Identifiers: MedGen C0950123, MeSH D030342.
Neuronal ceroid lipofuscinosis. Also called: Neuronal Ceroid Lipofuscinoses. Identifiers: Orphanet 216, Orphanet 79263, MedGen C0027877, MONDO:0016295. Disease mechanism: loss of function.
Ceroid lipofuscinosis, neuronal, 6A. Also called: Neuronal ceroid lipofuscinosis, Gypsy/Indian early juvenile variant; Neuronal ceroid lipofuscinosis 6; CLN6-Related Neuronal Ceroid-Lipofuscinosis; Neuronal ceroid lipofuscinosis, late infantile, variant. Identifiers: Orphanet 168491, Orphanet 228363, MedGen C5551375, MONDO:0011144, OMIM 601780.

Allele frequency attached by ClinVar (database versions not stated): gnomAD 0.00002 and 0.00013; TOPMed 0.00002; 1000 Genomes Project 30x 0.00031; gnomAD exomes 0.00082; ExAC 0.00270.
gnomAD v4.1: 323 of 1,467,910 alleles (0.022%); highest among the groups gnomAD compares: South Asian, 0.36%; 9 homozygotes.

Submissions (8):

Labcorp Genetics (formerly Invitae), Labcorp
Classification: Benign for Neuronal ceroid lipofuscinosis. Last evaluated: 2026-01-28. Review status: criteria provided, single submitter. Criteria: Invitae Variant Classification Sherloc (09022015). Collection method: clinical testing. Allele origin: germline.

Blueprint Genetics
Classification: Likely benign. Last evaluated: 2024-11-13. Review status: criteria provided, single submitter. Criteria: ACMG Guidelines, 2015. Collection method: clinical testing. Allele origin: germline.

Women's Health and Genetics/Laboratory Corporation of America, LabCorp
Classification: Likely benign. Last evaluated: 2022-04-20. Review status: criteria provided, single submitter. Criteria: LabCorp Variant Classification Summary - May 2015. Collection method: clinical testing. Allele origin: germline.
Comment: Variant summary: CLN6 c.49G>A (p.Gly17Ser) results in a non-conservative amino acid change in the encoded protein sequence. Four of five in-silico tools predict a benign effect of the variant on protein function. The variant allele was found at a frequency of 0.00082 in 81240 control chromosomes, predominantly at a frequency of 0.0039 within the South Asian subpopulation in the gnomAD database, including 2 homozygotes. The observed variant frequency within South Asian control individuals in the gnomAD database is approximately 4 fold of the estimated maximal expected allele frequency for a pathogenic variant in CLN6 causing Neuronal Ceroid-Lipofuscinosis (Batten Disease) phenotype (0.0011), strongly suggesting that the variant is a benign polymorphism found primarily in populations of South Asian origin. c.49G>A has been reported in the literature in at least one individual affected with Neuronal Ceroid-Lipofuscinosis (Batten Disease) (Kousi_2012). The report does not provide unequivocal conclusions about association of the variant with Neuronal Ceroid-Lipofuscinosis (Batten Disease). To our knowledge, no experimental evidence demonstrating an impact on protein function has been reported. Five ClinVar submitters (evaluation after 2014) cite the variant as uncertain significance (n=4) and benign (n=1). Based on the evidence outlined above, the variant was classified as likely benign.

Ambry Genetics
Classification: Uncertain significance for Inborn genetic diseases. Last evaluated: 2020-01-06. Review status: criteria provided, single submitter. Criteria: Ambry Variant Classification Scheme 2023. Collection method: clinical testing. Allele origin: germline.
Comment: The p.G17S variant (also known as c.49G>A), located in coding exon 1 of the CLN6 gene, results from a G to A substitution at nucleotide position 49. The glycine at codon 17 is replaced by serine, an amino acid with similar properties. This alteration was reported as a novel disease-causing mutation in the heterozygous state in one individual; however, a second alteration was not reported and no clinical information was provided for this individual (Kousi M et al. Hum. Mutat., 2012 Jan;33:42-63). This amino acid position is not well conserved in available vertebrate species. In addition, this alteration is predicted to be deleterious by in silico analysis. Since supporting evidence is limited at this time, the clinical significance of this alteration remains unclear.

GeneDx
Classification: Uncertain significance. Last evaluated: 2018-11-12. Review status: criteria provided, single submitter. Criteria: GeneDx Variant Classification (06012015). Collection method: clinical testing. Allele origin: germline. Affected: yes.
Comment: p.Gly17Ser (GGC>AGC): c.49 G>A in exon 1 of the CLN6 gene (NM_017882.2). The G17S missense substitution was reported as a novel disease-causing mutation (Kousi et al., 2012); however, it was identified in a patient who did not have a second detectable mutation in the CLN6 gene, and no additional information was provided about the patient's phenotype. G17S was not observed in approximately 1,900 individuals of European and African American ancestry in the NHLBI Exome Sequencing Project, indicating it is not a common benign variant in these populations. The G17S variant is a non-conservative amino acid substitution, which is likely to impact secondary protein structure as these residues differ in polarity, charge, size and/or other properties. This substitution occurs at a position that is conserved across species. In silico analysis predicts the G17S variant likely does not alter the protein structure/function. Therefore, based on the currently available information, it is unclear whether this variant is a pathogenic mutation or a rare benign variant. The variant is found in EPILEPSY panel(s).

Illumina Laboratory Services, Illumina
Classification: Uncertain significance for Neuronal ceroid lipofuscinosis. Last evaluated: 2017-09-26. Review status: criteria provided, single submitter. Criteria: ICSL Variant Classification Criteria 13 December 2019. Collection method: clinical testing. Allele origin: germline.
Comment: This variant was observed as part of a predisposition screen in an ostensibly healthy population. A literature search was performed for the gene, cDNA change, and amino acid change (where applicable). Publications were found based on this search. However, the evidence from the literature, in combination with allele frequency data from public databases where available, was not sufficient to rule this variant in or out of causing disease. Therefore, this variant is classified as a variant of unknown significance.

Counsyl
Classification: Uncertain significance for Ceroid lipofuscinosis, neuronal, 6A. Last evaluated: 2017-01-05. Review status: no assertion criteria provided. Collection method: clinical testing. Allele origin: unknown. Not counted in ClinVar's aggregate classification.

Department of Pathology and Laboratory Medicine, Sinai Health System
Classification: Likely benign. Review status: no assertion criteria provided. Collection method: clinical testing. Allele origin: unknown. Affected: yes. Study: The Canadian Open Genetics Repository (COGR). Not counted in ClinVar's aggregate classification.
Comment: The variant was identified in dbSNP (ID: rs763944821) and ClinVar (classified as benign by Invitae and as a VUS by Counsyl, Ambry Genetics and GeneDx) but was not identified in LOVD 3.0. The variant was identified in control databases in 68 of 112310 chromosomes (2 homozygous) at a frequency of 0.0006055 (Genome Aggregation Database March 6, 2019, v2.1.1). The variant was observed in the following populations: South Asian in 67 of 17028 chromosomes (freq: 0.003935) and Other in 1 of 3468 chromosomes (freq: 0.000288), but was not observed in the African, Latino, Ashkenazi Jewish, East Asian, European (Finnish), and European (non-Finnish) populations. The p.Gly17 residue is not conserved in mammals and computational analyses (PolyPhen-2, SIFT, AlignGVGD, BLOSUM, MutationTaster) do not suggest a high likelihood of impact to the protein; however, this information is not predictive enough to rule out pathogenicity. The variant occurs outside of the splicing consensus sequence and in silico or computational prediction software programs (SpliceSiteFinder, MaxEntScan, NNSPLICE, GeneSplicer) do not predict a difference in splicing. In summary, based on the above information the clinical significance of this variant cannot be determined with certainty at this time although we would lean towards a more benign role for this variant. This variant is classified as likely benign.

Literature cited by the submitters: PubMed 21990111 (cited by 4 submitters); PubMed 27553520 (cited by Women's Health and Genetics/Laboratory Corporation of America, LabCorp); PubMed 30285654 (cited by Women's Health and Genetics/Laboratory Corporation of America, LabCorp and Ambry Genetics).